The following is an entry in ClinVar:

NM_000102.4(CYP17A1):c.438_439del (p.Ile146fs)

Gene: CYP17A1 (cytochrome P450 family 17 subfamily A member 1; minus strand). Cytogenetic location: 10q24.32.
Variant type: Deletion.
Coding change: c.438_439del on transcript NM_000102.4 (MANE Select); coding-DNA positions 438 to 439, 2 bases deleted (TT; older notation c.438_439delTT).
Protein change: p.Ile146fs; shifts the reading frame from isoleucine 146.
Molecular consequence: frameshift variant.
Genome position (GRCh38, 1-based): chr10:102,835,012-102,835,013, AA deleted on the plus strand (TT on the coding strand, the reverse complement: CYP17A1 is on the minus strand); deleting any 2 consecutive bases within chr10:102,835,012-102,835,014 gives the same sequence; the c. name uses the placement nearest the transcript's 3' end. VCF-style (leftmost placement, unchanged base first): chr10-102835011-CAA-C. GRCh37 (hg19) VCF-style: chr10-104594768-CAA-C.
Other names: short protein forms I146fs.
Identifiers: ClinVar variation 1709011 (VCV001709011.2), dbSNP rs2493242253, ClinGen allele CA2580081203.

ClinVar aggregate classification (germline): Pathogenic (1 of 4 stars; one submission).

Conditions:
Deficiency of steroid 17-alpha-monooxygenase. Also called: 17-alpha-hydroxylase/17,20-lyase deficiency; 17-ALPHA-HYDROXYLASE DEFICIENCY; ADRENAL HYPERPLASIA V; Congenital adrenal hyperplasia due to 17-alpha-hydroxylase deficiency; Congenital adrenal hyperplasia type 5. Identifiers: Orphanet 90793, MedGen C0268285, MONDO:0008730, OMIM 202110.

Submission:

MGZ Medical Genetics Center
Classification: Pathogenic for Deficiency of steroid 17-alpha-monooxygenase. Last evaluated: 2021-12-22. Review status: criteria provided, single submitter. Criteria: ACMG Guidelines, 2015. Collection method: clinical testing. Allele origin: germline. Affected: yes. Observed: 1 variant allele.
Comment: ACMG criteria applied: PVS1, PM3, PM2_SUP